The following is an entry in ClinVar:

ClinVar aggregate classification (germline): Uncertain significance. Review status: criteria provided, multiple submitters, no conflicts (2 of 4 stars). 2 submissions from 2 submitters: Uncertain significance (2). Last evaluated 2024-03-15.

Conditions:
Inborn genetic diseases. Identifiers: MedGen C0950123, MeSH D030342.

gnomAD v4.1: 10 of 1,613,650 alleles (0.00062%); highest among the groups gnomAD compares: South Asian, 0.0011%; no homozygotes.

Submissions (2):

Labcorp Genetics (formerly Invitae), Labcorp
Classification: Uncertain significance. Last evaluated: 2024-03-15. Review status: criteria provided, single submitter. Criteria: Invitae Variant Classification Sherloc (09022015). Collection method: clinical testing. Allele origin: germline.
Comment: This sequence change replaces arginine, which is basic and polar, with cysteine, which is neutral and slightly polar, at codon 64 of the SETD5 protein (p.Arg64Cys). This variant is present in population databases (no rsID available, gnomAD 0.003%). This variant has not been reported in the literature in individuals affected with SETD5-related conditions. ClinVar contains an entry for this variant (Variation ID: 2280685). Advanced modeling of protein sequence and biophysical properties (such as structural, functional, and spatial information, amino acid conservation, physicochemical variation, residue mobility, and thermodynamic stability) performed at Invitae indicates that this missense variant is not expected to disrupt SETD5 protein function with a negative predictive value of 80%. In summary, the available evidence is currently insufficient to determine the role of this variant in disease. Therefore, it has been classified as a Variant of Uncertain Significance.

Ambry Genetics
Classification: Uncertain significance for Inborn genetic diseases. Last evaluated: 2022-03-29. Review status: criteria provided, single submitter. Criteria: Ambry Variant Classification Scheme 2023. Collection method: clinical testing. Allele origin: germline.

NM_001080517.3(SETD5):c.190C>T (p.Arg64Cys)

Gene: SETD5 (SET domain containing 5; plus strand). Cytogenetic location: 3p25.3.
Variant type: single nucleotide variant.
Coding change: c.190C>T on transcript NM_001080517.3 (MANE Select); coding-DNA position 190, C replaced by T.
Protein change: p.Arg64Cys; replaces arginine 64 with cysteine.
Molecular consequence: missense variant. On other transcripts: 5 prime UTR variant (2).
Genome position (GRCh38, 1-based): chr3:9,434,346, C>T. VCF-style: chr3-9434346-C-T. GRCh37 (hg19) VCF-style: chr3-9476030-C-T.
Other names: c.-144C>T (NM_001292043.2); c.-185C>T (NM_001349451.2); short protein forms R64C.
Identifiers: ClinVar variation 2280685 (VCV002280685.4), dbSNP rs995856475, ClinGen allele CA351682462.